The following is an entry in ClinVar:

NM_004397.6(DDX6):c.322C>T (p.Leu108=)

Gene: DDX6 (DEAD-box helicase 6; minus strand). Cytogenetic location: 11q23.3.
Variant type: single nucleotide variant.
Coding change: c.322C>T on transcript NM_004397.6 (MANE Select); coding-DNA position 322, C replaced by T.
Protein change: p.Leu108=; no amino-acid change (leucine 108 retained).
Molecular consequence: synonymous variant.
Genome position (GRCh38, 1-based): chr11:118,779,679, G>A on the plus strand (C>T on the coding strand, the complement: DDX6 is on the minus strand). VCF-style: chr11-118779679-G-A. GRCh37 (hg19) VCF-style: chr11-118650388-G-A.
Other names: c.322C>T, p.Leu108= (NM_001257191.3).
Identifiers: ClinVar variation 1701177 (VCV001701177.31), dbSNP rs61756275, ClinGen allele CA6308544.

ClinVar aggregate classification (germline): Benign (1 of 4 stars; one submission).

Allele frequency attached by ClinVar (database versions not stated): ESP Exome Variant Server 0.00423; ExAC 0.00482; gnomAD exomes 0.00521 and 0.00358; 1000 Genomes Project 0.00100; 1000 Genomes Project 30x 0.00109; gnomAD 0.00389 and 0.00406; TOPMed 0.00390.
gnomAD v4.1: 8,186 of 1,612,246 alleles (0.51%); highest among the groups gnomAD compares: Non-Finnish European, 0.62%; 22 homozygotes.

Submission:

CeGaT Center for Human Genetics Tuebingen
Classification: Benign. Last evaluated: 2026-09-01. Review status: criteria provided, single submitter. Criteria: CeGaT Center For Human Genetics Tuebingen Variant Classification Criteria Version 2. Collection method: clinical testing. Allele origin: germline. Affected: yes. Observed: 24 variant alleles.
Comment: DDX6: BP4, BP7, BS1, BS2